The following is an entry in ClinVar:

ClinVar aggregate classification (germline): Uncertain significance (1 of 4 stars; one submission).

Submission:

GeneDx
Classification: Uncertain significance. Last evaluated: 2025-05-12. Review status: criteria provided, single submitter. Criteria: GeneDx Variant Classification Process June 2021. Collection method: clinical testing. Allele origin: germline. Affected: yes.
Comment: Not observed at significant frequency in large population cohorts (gnomAD); In silico analysis supports that this missense variant has a deleterious effect on protein structure/function; Has not been previously published as pathogenic or benign to our knowledge

NM_001318510.2(ACSL4):c.1585C>G (p.Arg529Gly)

Gene: ACSL4 (acyl-CoA synthetase long chain family member 4; minus strand). Cytogenetic location: Xq23.
Variant type: single nucleotide variant.
Coding change: c.1585C>G on transcript NM_001318510.2 (MANE Select); coding-DNA position 1585, C replaced by G.
Protein change: p.Arg529Gly; replaces arginine 529 with glycine.
Molecular consequence: missense variant.
Genome position (GRCh38, 1-based): chrX:109,661,643, G>C on the plus strand (C>G on the coding strand, the complement: ACSL4 is on the minus strand). VCF-style: chrX-109661643-G-C. GRCh37 (hg19) VCF-style: chrX-108904872-G-C.
Other names: c.1708C>G, p.Arg570Gly (NM_001318509.2, NM_001437245.1, NM_001437247.1 and 2 more transcripts); c.1585C>G, p.Arg529Gly (NM_001437250.1, NM_001437251.1, NM_001437252.1 and 2 more transcripts); short protein forms R529G, R570G.
Identifiers: ClinVar variation 4529792 (VCV004529792.1).
Genomic context (GRCh38, chrX:109,661,643, plus strand): 5'-CTTCTACTTTCCCAAGAGATACATACTCTCCTGCTTGTAACTTCACTAGATCTTTCTTAC[G>C]ATCTGTTAAGTCATAAAGAATGTTAAGTCTGTTTAACTAAGGTATATGCAATTCTGACTG-3'
Protein context (NP_001305439.1, residues 519-539): HPDGCLQIID[Arg529Gly]KKDLVKLQAG